The following is an entry in ClinVar:

ClinVar aggregate classification (germline): Uncertain significance (1 of 4 stars; one submission).

Submission:

Labcorp Genetics (formerly Invitae), Labcorp
Classification: Uncertain significance. Last evaluated: 2025-11-08. Review status: criteria provided, single submitter. Criteria: Invitae Variant Classification Sherloc (09022015). Collection method: clinical testing. Allele origin: germline.
Comment: This sequence change replaces arginine, which is basic and polar, with cysteine, which is neutral and slightly polar, at codon 227 of the MCM2 protein (p.Arg227Cys). This variant is present in population databases (rs758827196, gnomAD 0.01%). This variant has not been reported in the literature in individuals affected with MCM2-related conditions. ClinVar contains an entry for this variant (Variation ID: 3715607). Invitae Evidence Modeling of protein sequence and biophysical properties (such as structural, functional, and spatial information, amino acid conservation, physicochemical variation, residue mobility, and thermodynamic stability) indicates that this missense variant is not expected to disrupt MCM2 protein function with a negative predictive value of 80%. In summary, the available evidence is currently insufficient to determine the role of this variant in disease. Therefore, it has been classified as a Variant of Uncertain Significance.

NM_004526.4(MCM2):c.679C>T (p.Arg227Cys)

Gene: MCM2 (minichromosome maintenance complex component 2; plus strand). Cytogenetic location: 3q21.3.
Variant type: single nucleotide variant.
Coding change: c.679C>T on transcript NM_004526.4 (MANE Select); coding-DNA position 679, C replaced by T.
Protein change: p.Arg227Cys; replaces arginine 227 with cysteine.
Molecular consequence: missense variant. On other transcripts: non-coding transcript variant (1).
Genome position (GRCh38, 1-based): chr3:127,606,123, C>T. VCF-style: chr3-127606123-C-T. GRCh37 (hg19) VCF-style: chr3-127324966-C-T.
Other names: short protein forms R227C.
Identifiers: ClinVar variation 3715607 (VCV003715607.2).